The following is an entry in ClinVar:

ClinVar aggregate classification (germline): Benign (0 of 4 stars; one submission).

Conditions:
ITIH4-related disorder. Also called: ITIH4-related condition.

Allele frequency attached by ClinVar (database versions not stated): 1000 Genomes Project 0.08347; 1000 Genomes Project 30x 0.08385; ExAC 0.11709; gnomAD 0.11717; TOPMed 0.11939; ESP Exome Variant Server 0.12410; gnomAD exomes 0.13886.
gnomAD v4.1: 220,512 of 1,613,330 alleles (14%); highest among the groups gnomAD compares: Non-Finnish European, 15%; 16,365 homozygotes.

Submission:

PreventionGenetics, part of Exact Sciences
Classification: Benign for ITIH4-related condition. Last evaluated: 2019-10-21. Review status: no assertion criteria provided. Collection method: clinical testing. Allele origin: germline.
Comment: This variant is classified as benign based on ACMG/AMP sequence variant interpretation guidelines (Richards et al. 2015 PMID: 25741868, with internal and published modifications).

NM_002218.5(ITIH4):c.24T>C (p.Arg8=)

Gene: ITIH4 (inter-alpha-trypsin inhibitor heavy chain 4; minus strand). Cytogenetic location: 3p21.1.
Variant type: single nucleotide variant.
Coding change: c.24T>C on transcript NM_002218.5 (MANE Select); coding-DNA position 24, T replaced by C.
Protein change: p.Arg8=; no amino-acid change (arginine 8 retained).
Molecular consequence: synonymous variant.
Genome position (GRCh38, 1-based): chr3:52,830,619, A>G on the plus strand (T>C on the coding strand, the complement: ITIH4 is on the minus strand). VCF-style: chr3-52830619-A-G. GRCh37 (hg19) VCF-style: chr3-52864635-A-G.
Other names: c.24T>C, p.Arg8= (NM_001166449.2).
Identifiers: ClinVar variation 3060430 (VCV003060430.2), dbSNP rs2276818, ClinGen allele CA2449862.
Genomic context (GRCh38, chr3:52,830,619, plus strand): 5'-GGCAGTAGTAGTCTGGTGGATGGCCAGCAGTGAAAGCAGGACGAGAACTTTGCTGCAGGT[A>G]CGGACAGGCCTTGGGGGCTTCATCGTGGCTCCAGTGTCTGCCAGGAGGCTTCTGAACTCG-3'
Protein context (NP_002209.2, residues 1-18): MKPPRPV[Arg8=]TCSKVLVLLS